The following is an entry in ClinVar:

NM_000478.6(ALPL):c.3_13del (p.Met1fs)

Gene: ALPL (alkaline phosphatase, biomineralization associated; plus strand). Cytogenetic location: 1p36.12.
Variant type: Deletion.
Coding change: c.3_13del on transcript NM_000478.6 (MANE Select); coding-DNA positions 3 to 13, 11 bases deleted (GATTTCACCAT).
Protein change: p.Met1fs; shifts the reading frame from methionine 1.
Molecular consequence: frameshift variant, initiator codon variant. On other transcripts: intron variant (2).
Genome position (GRCh38, 1-based): chr1:21,554,084-21,554,094, GATTTCACCAT deleted; deleting any 11 consecutive bases within chr1:21,554,078-21,554,094 gives the same sequence; the c. name uses the placement nearest the transcript's 3' end. VCF-style (leftmost placement, unchanged base first): chr1-21554077-GCACCATGATTT-G. GRCh37 (hg19) VCF-style: chr1-21880570-GCACCATGATTT-G.
Other names: c.3_13del, p.Met1fs (NM_001369803.2, NM_001369804.2, NM_001369805.2); c.-104-6542_-104-6532del (NM_001127501.4); c.-54-6542_-54-6532del (NM_001177520.3); short protein forms M1fs.
Identifiers: ClinVar variation 4818419 (VCV004818419.1).

ClinVar aggregate classification (germline): Likely pathogenic (1 of 4 stars; one submission).

Conditions:
Hypophosphatasia. Also called: Phosphoethanol-aminuria. Identifiers: Orphanet 436, MedGen C0020630, MeSH D007014, MONDO:0018570.

Submission:

Natera, Inc.
Classification: Likely pathogenic for Hypophosphatasia. Last evaluated: 2024-06-29. Review status: criteria provided, single submitter. Criteria: Natera Variant Classification Schema (03/2026). Collection method: clinical testing. Allele origin: germline.
Comment: The c.3_13del variant in ALPL is predicted to result in start loss due to disruption of the initiator methionine. This variant is expected to result in nonsense mediated decay, truncation, or a dysfunctional protein product. This variant is rare in the general population with a frequency below the threshold expected for the associated phenotype(s). Given the available evidence, this variant is classified as Likely Pathogenic.